The following is an entry in ClinVar:

ClinVar aggregate classification (germline): Uncertain significance. Review status: criteria provided, multiple submitters, no conflicts (2 of 4 stars). 3 submissions from 3 submitters: Uncertain significance (3). Last evaluated 2025-12-24.

Conditions:
Chuvash polycythemia. Also called: POLYCYTHEMIA, VHL-DEPENDENT. Identifiers: Orphanet 238557, MedGen C1837915, MONDO:0009892, OMIM 263400.
Von Hippel-Lindau syndrome (VHLS). Also called: VHL syndrome; Von Hippel-Lindau; von Hippel–Lindau syndrome. Identifiers: Orphanet 892, MedGen C0019562, MONDO:0008667, OMIM 193300. Disease mechanism: loss of function.
Hereditary cancer-predisposing syndrome. Also called: Hereditary neoplastic syndrome; Hereditary Cancer Syndrome; Neoplastic Syndromes, Hereditary; Tumor predisposition. Identifiers: Orphanet 140162, MedGen C0027672, MeSH D009386, MONDO:0015356.

Allele frequency attached by ClinVar (database versions not stated): gnomAD exomes below 0.00001; ExAC 0.00005.

Submissions (3):

Labcorp Genetics (formerly Invitae), Labcorp
Classification: Uncertain significance for Von Hippel-Lindau syndrome; Chuvash polycythemia. Last evaluated: 2025-12-24. Review status: criteria provided, single submitter. Criteria: Invitae Variant Classification Sherloc (09022015). Collection method: clinical testing. Allele origin: germline.
Comment: This sequence change replaces alanine, which is neutral and non-polar, with valine, which is neutral and non-polar, at codon 50 of the VHL protein (p.Ala50Val). The frequency data for this variant in the population databases is considered unreliable, as metrics indicate poor data quality at this position in the gnomAD database. This variant has not been reported in the literature in individuals affected with VHL-related conditions. ClinVar contains an entry for this variant (Variation ID: 421185). Invitae Evidence Modeling of protein sequence and biophysical properties (such as structural, functional, and spatial information, amino acid conservation, physicochemical variation, residue mobility, and thermodynamic stability) indicates that this missense variant is not expected to disrupt VHL protein function with a negative predictive value of 95%. In summary, the available evidence is currently insufficient to determine the role of this variant in disease. Therefore, it has been classified as a Variant of Uncertain Significance.

Ambry Genetics
Classification: Uncertain significance for Hereditary cancer-predisposing syndrome. Last evaluated: 2025-09-29. Review status: criteria provided, single submitter. Criteria: Ambry Variant Classification Scheme 2023. Collection method: clinical testing. Allele origin: germline.
Comment: The p.A50V variant (also known as c.149C>T), located in coding exon 1 of the VHL gene, results from a C to T substitution at nucleotide position 149. The alanine at codon 50 is replaced by valine, an amino acid with similar properties. This variant was determined to be functionally neutral in one saturation genome editing assay (Buckley M et al. Nat Genet, 2024 Jul;56:1446-1455). This amino acid position is not well conserved in available vertebrate species. In addition, this alteration is predicted to be tolerated by in silico analysis. Based on the available evidence, the clinical significance of this variant remains unclear.

GeneDx
Classification: Uncertain significance. Last evaluated: 2016-05-12. Review status: criteria provided, single submitter. Criteria: GeneDx Variant Classification (06012015). Collection method: clinical testing. Allele origin: germline. Affected: yes.
Comment: This variant is denoted VHL c.149C>T at the cDNA level, p.Ala50Val (A50V) at the protein level, and results in the change of an Alanine to a Valine (GCC>GTC). This variant has not, to our knowledge, been published in the literature as pathogenic or benign. VHL Ala50Val was not observed in approximately 6,200 individuals of European and African American ancestry in the NHLBI Exome Sequencing Project, suggesting it is not a common benign variant in these populations. Since Alanine and Valine share similar properties, this is considered a conservative amino acid substitution. VHL Ala50Val occurs at a position that is not conserved and is not located in a known functional domain (Yuen 2009). In silico analyses are inconsistent regarding the effect this variant may have on protein structure and function. Based on currently available evidence, it is unclear whether VHL Ala50Val is pathogenic or benign. We consider it to be a variant of uncertain significance.

Literature cited by the submitters: PubMed 38969834 (cited by Ambry Genetics).

NM_000551.4(VHL):c.149C>T (p.Ala50Val)

Gene: VHL (von Hippel-Lindau tumor suppressor; plus strand). Cytogenetic location: 3p25.3.
Variant type: single nucleotide variant.
Coding change: c.149C>T on transcript NM_000551.4 (MANE Select); coding-DNA position 149, C replaced by T.
Protein change: p.Ala50Val; replaces alanine 50 with valine.
Molecular consequence: missense variant.
Genome position (GRCh38, 1-based): chr3:10,141,996, C>T. VCF-style: chr3-10141996-C-T. GRCh37 (hg19) VCF-style: chr3-10183680-C-T.
Other names: c.149C>T, p.Ala50Val (NM_001354723.2, NM_198156.3); short protein forms A50V.
Identifiers: ClinVar variation 421185 (VCV000421185.12), dbSNP rs766576246, ClinGen allele CA039477.